The following is an entry in ClinVar:

NM_000702.4(ATP1A2):c.2111G>A (p.Arg704Lys)

Gene: ATP1A2 (ATPase Na+/K+ transporting subunit alpha 2; plus strand). Cytogenetic location: 1q23.2.
Variant type: single nucleotide variant.
Coding change: c.2111G>A on transcript NM_000702.4 (MANE Select); coding-DNA position 2111, G replaced by A.
Protein change: p.Arg704Lys; replaces arginine 704 with lysine.
Molecular consequence: missense variant.
Genome position (GRCh38, 1-based): chr1:160,135,291, G>A. VCF-style: chr1-160135291-G-A. GRCh37 (hg19) VCF-style: chr1-160105081-G-A.
Other names: short protein forms R704K.
Identifiers: ClinVar variation 1409527 (VCV001409527.6), dbSNP rs2101994868, ClinGen allele CA343248793.
Genomic context (GRCh38, chr1:160,135,291, plus strand): 5'-AGATCGTCTTTGCTCGAACGTCTCCCCAGCAGAAGCTCATCATTGTGGAGGGATGTCAGA[G>A]GCAGGTGAGCACAGCCACGGGAGGCAGATGACAGGCAGGGACCGGGGAGGCAGGGACAGG-3'
Protein context (NP_000693.1, residues 694-714): QKLIIVEGCQ[Arg704Lys]QGAIVAVTGD

ClinVar aggregate classification (germline): Uncertain significance (1 of 4 stars; one submission).

Conditions:
Familial hemiplegic migraine. Identifiers: MedGen C0338484, MONDO:0000700.

Allele frequency attached by ClinVar (database versions not stated): gnomAD exomes below 0.00001.
gnomAD v4.1: 3 of 1,614,188 alleles (0.00019%); highest among the groups gnomAD compares: Non-Finnish European, 0.00025%; no homozygotes.

Submission:

Labcorp Genetics (formerly Invitae), Labcorp
Classification: Uncertain significance for Familial hemiplegic migraine. Last evaluated: 2021-12-02. Review status: criteria provided, single submitter. Criteria: Invitae Variant Classification Sherloc (09022015). Collection method: clinical testing. Allele origin: germline.
Comment: In summary, the available evidence is currently insufficient to determine the role of this variant in disease. Therefore, it has been classified as a Variant of Uncertain Significance. Advanced modeling of protein sequence and biophysical properties (such as structural, functional, and spatial information, amino acid conservation, physicochemical variation, residue mobility, and thermodynamic stability) performed at Invitae indicates that this missense variant is not expected to disrupt ATP1A2 protein function. This variant has not been reported in the literature in individuals affected with ATP1A2-related conditions. This variant is not present in population databases (gnomAD no frequency). This sequence change replaces arginine, which is basic and polar, with lysine, which is basic and polar, at codon 704 of the ATP1A2 protein (p.Arg704Lys).